The following is an entry in ClinVar:

NM_000222.3(KIT):c.638T>C (p.Val213Ala)

Gene: KIT (KIT proto-oncogene, receptor tyrosine kinase; plus strand). Cytogenetic location: 4q12.
Variant type: single nucleotide variant.
Coding change: c.638T>C on transcript NM_000222.3 (MANE Select); coding-DNA position 638, T replaced by C.
Protein change: p.Val213Ala; replaces valine 213 with alanine.
Molecular consequence: missense variant.
Genome position (GRCh38, 1-based): chr4:54,699,648, T>C. VCF-style: chr4-54699648-T-C. GRCh37 (hg19) VCF-style: chr4-55565814-T-C.
Other names: c.638T>C, p.Val213Ala (NM_001093772.2, NM_001385284.1, NM_001385285.1 and 4 more transcripts); short protein forms V213A.
Identifiers: ClinVar variation 237280 (VCV000237280.10), dbSNP rs878853769, ClinGen allele CA10582254.

ClinVar aggregate classification (germline): Uncertain significance. Review status: criteria provided, multiple submitters, no conflicts (2 of 4 stars). 2 submissions from 2 submitters: Uncertain significance (2). Last evaluated 2026-07-06.

Conditions:
Hereditary cancer-predisposing syndrome. Also called: Tumor predisposition; Neoplastic Syndromes, Hereditary; Hereditary Cancer Syndrome; Hereditary neoplastic syndrome. Identifiers: Orphanet 140162, MedGen C0027672, MeSH D009386, MONDO:0015356.
Gastrointestinal stromal tumor. Also called: Gastrointestinal stroma tumor; Gastrointestinal stromal tumor, somatic. Identifiers: Orphanet 44890, MedGen C0238198, MeSH D046152, MONDO:0011719, OMIM 606764, HP:0100723.

Submissions (2):

Ambry Genetics
Classification: Uncertain significance for Hereditary cancer-predisposing syndrome. Last evaluated: 2026-07-06. Review status: criteria provided, single submitter. Criteria: Ambry Variant Classification Scheme 2023. Collection method: clinical testing. Allele origin: germline.
Comment: The p.V213A variant (also known as c.638T>C), located in coding exon 4 of the KIT gene, results from a T to C substitution at nucleotide position 638. The valine at codon 213 is replaced by alanine, an amino acid with similar properties. This amino acid position is conserved. In addition, this alteration is predicted to be tolerated by in silico analysis. Based on the available evidence, the clinical significance of this variant remains unclear.

Labcorp Genetics (formerly Invitae), Labcorp
Classification: Uncertain significance for Gastrointestinal stromal tumor. Last evaluated: 2018-05-01. Review status: criteria provided, single submitter. Criteria: Invitae Variant Classification Sherloc (09022015). Collection method: clinical testing. Allele origin: germline.
Comment: In summary, the available evidence is currently insufficient to determine the role of this variant in disease. Therefore, it has been classified as a Variant of Uncertain Significance. Algorithms developed to predict the effect of missense changes on protein structure and function (SIFT, PolyPhen-2, Align-GVGD) all suggest that this variant is likely to be tolerated, but these predictions have not been confirmed by published functional studies and their clinical significance is uncertain. This variant has not been reported in the literature in individuals with KIT-related disease. This variant is not present in population databases (ExAC no frequency). This sequence change replaces valine with alanine at codon 213 of the KIT protein (p.Val213Ala). The valine residue is highly conserved and there is a small physicochemical difference between valine and alanine.